The following is an entry in ClinVar:

NM_001142800.2(EYS):c.1747_1748del (p.Lys582_Asp583insTer)

Gene: EYS (EGF-like photoreceptor maintenance factor; minus strand). Cytogenetic location: 6q12.
Variant type: Deletion.
Coding change: c.1747_1748del on transcript NM_001142800.2 (MANE Select); coding-DNA positions 1747 to 1748, 2 bases deleted (GA; older notation c.1747_1748delGA).
Protein change: p.Lys582_Asp583insTer.
Molecular consequence: nonsense.
Genome position (GRCh38, 1-based): chr6:65,334,998-65,334,999, TC deleted on the plus strand (GA on the coding strand, the reverse complement: EYS is on the minus strand); deleting any 2 consecutive bases within chr6:65,334,998-65,335,000 gives the same sequence; the c. name uses the placement nearest the transcript's 3' end. VCF-style (leftmost placement, unchanged base first): chr6-65334997-ATC-A. GRCh37 (hg19) VCF-style: chr6-66044890-ATC-A.
Other names: c.1747_1748del, p.Lys582_Asp583insTer (NM_001142801.2, NM_001292009.2, NM_198283.2).
Identifiers: ClinVar variation 2810509 (VCV002810509.3), dbSNP rs2533136436, ClinGen allele CA2739273183.

ClinVar aggregate classification (germline): Pathogenic (1 of 4 stars; one submission).

Submission:

Labcorp Genetics (formerly Invitae), Labcorp
Classification: Pathogenic. Last evaluated: 2022-11-22. Review status: criteria provided, single submitter. Criteria: Invitae Variant Classification Sherloc (09022015). Collection method: clinical testing. Allele origin: germline.
Comment: For these reasons, this variant has been classified as Pathogenic. This variant has not been reported in the literature in individuals affected with EYS-related conditions. This variant is not present in population databases (gnomAD no frequency). This sequence change creates a premature translational stop signal (p.Asp583*) in the EYS gene. It is expected to result in an absent or disrupted protein product. Loss-of-function variants in EYS are known to be pathogenic (PMID: 18836446, 20333770).

Literature cited by the submitters: PubMed 18836446; PubMed 20333770.